The following is an entry in ClinVar:

NM_004859.4(CLTC):c.503C>T (p.Thr168Ile)

Gene: CLTC (clathrin heavy chain; plus strand). Cytogenetic location: 17q23.1.
Variant type: single nucleotide variant.
Coding change: c.503C>T on transcript NM_004859.4 (MANE Select); coding-DNA position 503, C replaced by T.
Protein change: p.Thr168Ile; replaces threonine 168 with isoleucine.
Molecular consequence: missense variant.
Genome position (GRCh38, 1-based): chr17:59,647,650, C>T. VCF-style: chr17-59647650-C-T. GRCh37 (hg19) VCF-style: chr17-57725011-C-T.
Other names: c.515C>T, p.Thr172Ile (NM_001288653.2); short protein forms T172I, T168I.
Identifiers: ClinVar variation 4745465 (VCV004745465.1).

ClinVar aggregate classification (germline): Uncertain significance (1 of 4 stars; one submission).

Submission:

Labcorp Genetics (formerly Invitae), Labcorp
Classification: Uncertain significance. Last evaluated: 2025-11-15. Review status: criteria provided, single submitter. Criteria: Invitae Variant Classification Sherloc (09022015). Collection method: clinical testing. Allele origin: germline.
Comment: This sequence change replaces threonine, which is neutral and polar, with isoleucine, which is neutral and non-polar, at codon 172 of the CLTC protein (p.Thr172Ile). This variant is not present in population databases (gnomAD no frequency). This variant has not been reported in the literature in individuals affected with CLTC-related conditions. Invitae Evidence Modeling of protein sequence and biophysical properties (such as structural, functional, and spatial information, amino acid conservation, physicochemical variation, residue mobility, and thermodynamic stability) indicates that this missense variant is not expected to disrupt CLTC protein function with a negative predictive value of 80%. In summary, the available evidence is currently insufficient to determine the role of this variant in disease. Therefore, it has been classified as a Variant of Uncertain Significance.